The following is an entry in ClinVar:

NM_001353694.2(TIAM1):c.430G>A (p.Glu144Lys)

Gene: TIAM1 (TIAM Rac1 associated GEF 1; minus strand). Cytogenetic location: 21q22.11.
Variant type: single nucleotide variant.
Coding change: c.430G>A on transcript NM_001353694.2 (MANE Select); coding-DNA position 430, G replaced by A.
Protein change: p.Glu144Lys; replaces glutamic acid 144 with lysine.
Molecular consequence: missense variant.
Genome position (GRCh38, 1-based): chr21:31,266,543, C>T on the plus strand (G>A on the coding strand, the complement: TIAM1 is on the minus strand). VCF-style: chr21-31266543-C-T. GRCh37 (hg19) VCF-style: chr21-32638859-C-T.
Other names: c.430G>A, p.Glu144Lys (NM_001353686.2, NM_001353687.2, NM_001353688.1 and 6 more transcripts); short protein forms E144K.
Identifiers: ClinVar variation 3367286 (VCV003367286.2).

ClinVar aggregate classification (germline): Uncertain significance. Review status: criteria provided, multiple submitters, no conflicts (2 of 4 stars). 2 submissions from 2 submitters: Uncertain significance (2). Last evaluated 2025-04-10.

Submissions (2):

Ambry Genetics
Classification: Uncertain significance. Last evaluated: 2025-04-10. Review status: criteria provided, single submitter. Criteria: Ambry Variant Classification Scheme 2023. Collection method: clinical testing. Allele origin: germline.

GeneDx
Classification: Uncertain significance. Last evaluated: 2024-01-02. Review status: criteria provided, single submitter. Criteria: GeneDx Variant Classification Process June 2021. Collection method: clinical testing. Allele origin: germline. Affected: yes.
Comment: Not observed at significant frequency in large population cohorts (gnomAD); In silico analysis supports that this missense variant does not alter protein structure/function; Has not been previously published as pathogenic or benign to our knowledge